The following is an entry in ClinVar:

NM_152594.3(SPRED1):c.630A>T (p.Glu210Asp)

Gene: SPRED1 (sprouty related EVH1 domain containing 1; plus strand). Cytogenetic location: 15q14.
Variant type: single nucleotide variant.
Coding change: c.630A>T on transcript NM_152594.3 (MANE Select); coding-DNA position 630, A replaced by T.
Protein change: p.Glu210Asp; replaces glutamic acid 210 with aspartic acid.
Molecular consequence: missense variant.
Genome position (GRCh38, 1-based): chr15:38,349,469, A>T. VCF-style: chr15-38349469-A-T. GRCh37 (hg19) VCF-style: chr15-38641670-A-T.
Other names: c.630A>T (NM_152594.2); short protein forms E210D.
Identifiers: ClinVar variation 1506590 (VCV001506590.9), dbSNP rs2141014874, ClinGen allele CA391932876.

ClinVar aggregate classification (germline): Uncertain significance. Review status: criteria provided, multiple submitters, no conflicts (2 of 4 stars). 2 submissions from 2 submitters: Uncertain significance (2). Last evaluated 2026-01-20.

Conditions:
Cardiovascular phenotype. Identifiers: MedGen CN230736.
Legius syndrome. Identifiers: Orphanet 137605, MedGen C1969623, MONDO:0012669, OMIM 611431. Disease mechanism: loss of function.

Submissions (2):

Ambry Genetics
Classification: Uncertain significance for Cardiovascular phenotype. Last evaluated: 2026-01-20. Review status: criteria provided, single submitter. Criteria: Ambry Variant Classification Scheme 2023. Collection method: clinical testing. Allele origin: germline.
Comment: The p.E210D variant (also known as c.630A>T), located in coding exon 6 of the SPRED1 gene, results from an A to T substitution at nucleotide position 630. The glutamic acid at codon 210 is replaced by aspartic acid, an amino acid with highly similar properties. This amino acid position is conserved. In addition, this alteration is predicted to be tolerated by in silico analysis. Based on the available evidence, the clinical significance of this variant remains unclear.

Labcorp Genetics (formerly Invitae), Labcorp
Classification: Uncertain significance for Legius syndrome. Last evaluated: 2021-02-16. Review status: criteria provided, single submitter. Criteria: Invitae Variant Classification Sherloc (09022015). Collection method: clinical testing. Allele origin: germline.
Comment: In summary, the available evidence is currently insufficient to determine the role of this variant in disease. Therefore, it has been classified as a Variant of Uncertain Significance. Algorithms developed to predict the effect of missense changes on protein structure and function output the following: SIFT: "Tolerated"; PolyPhen-2: "Benign"; Align-GVGD: "Class C0". The aspartic acid amino acid residue is found in multiple mammalian species, suggesting that this missense change does not adversely affect protein function. These predictions have not been confirmed by published functional studies and their clinical significance is uncertain. This variant has not been reported in the literature in individuals with SPRED1-related conditions. This variant is not present in population databases (ExAC no frequency). This sequence change replaces glutamic acid with aspartic acid at codon 210 of the SPRED1 protein (p.Glu210Asp). The glutamic acid residue is moderately conserved and there is a small physicochemical difference between glutamic acid and aspartic acid.